The following is an entry in ClinVar:

NM_022367.4(SEMA4A):c.2249A>T (p.Asp750Val)

Gene: SEMA4A (semaphorin 4A; plus strand). Cytogenetic location: 1q22.
Variant type: single nucleotide variant.
Coding change: c.2249A>T on transcript NM_022367.4 (MANE Select); coding-DNA position 2249, A replaced by T.
Protein change: p.Asp750Val; replaces aspartic acid 750 with valine.
Molecular consequence: missense variant.
Genome position (GRCh38, 1-based): chr1:156,176,960, A>T. VCF-style: chr1-156176960-A-T. GRCh37 (hg19) VCF-style: chr1-156146751-A-T.
Other names: c.2249A>T, p.Asp750Val (NM_001193300.2, NM_001193301.2, NM_001370567.1); c.1853A>T, p.Asp618Val (NM_001193302.2); c.1952A>T, p.Asp651Val (NM_001370568.1); c.1742A>T, p.Asp581Val (NM_001370569.1, NM_001370571.1); short protein forms D618V, D651V, D581V, D750V.
Identifiers: ClinVar variation 746667 (VCV000746667.17), dbSNP rs141707567, ClinGen allele CA1155560.
Genomic context (GRCh38, chr1:156,176,960, plus strand): 5'-TAAGCAGAGAGCAACACCTCCAGTCTCCCAAGGAATGCAGGACCTCTGCCAGTGATGTGG[A>T]CGCTGACAACAACTGCCTAGGCACTGAGGTAGCTTAAACTCTAGGCACAGGCCGGGGCTG-3'
Protein context (NP_071762.2, residues 740-760): KECRTSASDV[Asp750Val]ADNNCLGTEV

ClinVar aggregate classification (germline): Conflicting classifications of pathogenicity. Review status: criteria provided, conflicting classifications (1 of 4 stars). 5 submissions from 4 submitters: Uncertain significance (1); Benign (2); Likely benign (1). 1 of the submissions does not count toward it. Last evaluated 2025-12-17.

Conditions:
SEMA4A-related disorder. Also called: SEMA4A-related condition.
Retinitis pigmentosa (RP). Identifiers: Orphanet 791, MedGen C0035334, MeSH D012174, MONDO:0019200, OMIM 268000. Inheritance: Autosomal dominant, autosomal recessive and X linked inheritance.
Cone-rod dystrophy 10 (CORD10). Identifiers: Orphanet 1872, MedGen C1846529, MONDO:0012464, OMIM 610283.

Allele frequency attached by ClinVar (database versions not stated): gnomAD exomes 0.00011 and 0.00040; ExAC 0.00047; ESP Exome Variant Server 0.00085; gnomAD 0.00130 and 0.00137; TOPMed 0.00148; 1000 Genomes Project 0.00240; 1000 Genomes Project 30x 0.00250.
gnomAD v4.1: 366 of 1,613,154 alleles (0.023%); highest among the groups gnomAD compares: African/African-American, 0.44%; 2 homozygotes.

Submissions (5):

Labcorp Genetics (formerly Invitae), Labcorp
Classification: Likely benign. Last evaluated: 2025-12-17. Review status: criteria provided, single submitter. Criteria: Invitae Variant Classification Sherloc (09022015). Collection method: clinical testing. Allele origin: germline.

Blueprint Genetics
Classification: Benign. Last evaluated: 2024-10-02. Review status: criteria provided, single submitter. Criteria: ACMG Guidelines, 2015. Collection method: clinical testing. Allele origin: germline.

Illumina Laboratory Services, Illumina
Classification: Benign for Retinitis pigmentosa. Last evaluated: 2018-01-13. Review status: criteria provided, single submitter. Criteria: ICSL Variant Classification Criteria 13 December 2019. Collection method: clinical testing. Allele origin: germline.
Comment: This variant was observed in the ICSL laboratory as part of a predisposition screen in an ostensibly healthy population. It had not been previously curated by ICSL or reported in the Human Gene Mutation Database (HGMD: prior to June 1st, 2018), and was therefore a candidate for classification through an automated scoring system. Utilizing variant allele frequency, disease prevalence and penetrance estimates, and inheritance mode, an automated score was calculated to assess if this variant is too frequent to cause the disease. Based on the score and internal cut-off values, a variant classified as benign is not then subjected to further curation. The score for this variant resulted in a classification of benign for this disease.

Illumina Laboratory Services, Illumina
Classification: Uncertain significance for Cone-rod dystrophy 10. Last evaluated: 2018-01-13. Review status: criteria provided, single submitter. Criteria: ICSL Variant Classification Criteria 13 December 2019. Collection method: clinical testing. Allele origin: germline.

PreventionGenetics, part of Exact Sciences
Classification: Likely benign for SEMA4A-related condition. Last evaluated: 2019-10-23. Review status: no assertion criteria provided. Collection method: clinical testing. Allele origin: germline. Not counted in ClinVar's aggregate classification.
Comment: This variant is classified as likely benign based on ACMG/AMP sequence variant interpretation guidelines (Richards et al. 2015 PMID: 25741868, with internal and published modifications).